The following is an entry in ClinVar:

NM_018429.3(BDP1):c.2164A>G (p.Lys722Glu)

Gene: BDP1 (BDP1 general transcription factor IIIB subunit; plus strand). Cytogenetic location: 5q13.2.
Variant type: single nucleotide variant.
Coding change: c.2164A>G on transcript NM_018429.3 (MANE Select); coding-DNA position 2164, A replaced by G.
Protein change: p.Lys722Glu; replaces lysine 722 with glutamic acid.
Molecular consequence: missense variant.
Genome position (GRCh38, 1-based): chr5:71,502,714, A>G. VCF-style: chr5-71502714-A-G. GRCh37 (hg19) VCF-style: chr5-70798541-A-G.
Other names: short protein forms K722E.
Identifiers: ClinVar variation 508134 (VCV000508134.2), dbSNP rs36009281, ClinGen allele CA3296197.

ClinVar aggregate classification (germline): Benign. Review status: criteria provided, multiple submitters, no conflicts (2 of 4 stars). 2 submissions from 2 submitters: Benign (2). Last evaluated 2017-05-09.

Allele frequency attached by ClinVar (database versions not stated): 1000 Genomes Project 0.03255; 1000 Genomes Project 30x 0.03435; gnomAD 0.05433 and 0.05613; TOPMed 0.05450; ExAC 0.05611; gnomAD exomes 0.05648 and 0.07688; ESP Exome Variant Server 0.06205.
gnomAD v4.1: 120,731 of 1,613,748 alleles (7.5%); highest among the groups gnomAD compares: Non-Finnish European, 8.6%; 5,069 homozygotes.

Submissions (2):

GeneDx
Classification: Benign. Last evaluated: 2017-05-09. Review status: criteria provided, single submitter. Criteria: GeneDx Variant Classification (06012015). Collection method: clinical testing. Allele origin: germline. Affected: yes.
Comment: This variant is considered likely benign or benign based on one or more of the following criteria: it is a conservative change, it occurs at a poorly conserved position in the protein, it is predicted to be benign by multiple in silico algorithms, and/or has population frequency not consistent with disease.

Breakthrough Genomics
Classification: Benign. Review status: criteria provided, single submitter. Criteria: ACMG Guidelines, 2015. Collection method: not provided. Allele origin: germline. Inheritance: Autosomal recessive inheritance. Affected: yes.